The following is an entry in ClinVar:

ClinVar aggregate classification (germline): Uncertain significance. Review status: criteria provided, multiple submitters, no conflicts (2 of 4 stars). 3 submissions from 3 submitters: Uncertain significance (3). Last evaluated 2024-02-22.

Conditions:
Arrhythmogenic cardiomyopathy with wooly hair and keratoderma. Also called: PALMOPLANTAR KERATODERMA WITH LEFT VENTRICULAR CARDIOMYOPATHY AND WOOLLY HAIR; Carvajal syndrome; Dilated cardiomyopathy with woolly hair and keratoderma; Arrhythmogenic cardiomyopathy with woolly hair and keratoderma. Identifiers: Orphanet 65282, MedGen C1854063, MONDO:0011581, OMIM 605676.
Cardiomyopathy (CMYO). Also called: Cardiomyopathies. Identifiers: Orphanet 167848, MedGen C0878544, MONDO:0004994, HP:0001638. Inheritance: Various modes of inheritance.
Cardiovascular phenotype. Identifiers: MedGen CN230736.

Allele frequency attached by ClinVar (database versions not stated): gnomAD exomes below 0.00001.
gnomAD v4.1: 4 of 1,613,438 alleles (0.00025%); highest among the groups gnomAD compares: African/African-American, 0.0013%; no homozygotes.

Submissions (3):

All of Us Research Program, National Institutes of Health
Classification: Uncertain significance for Arrhythmogenic cardiomyopathy with wooly hair and keratoderma. Last evaluated: 2024-02-22. Review status: criteria provided, single submitter. Criteria: ACMG Guidelines, 2015. Collection method: clinical testing. Allele origin: germline. Inheritance: Autosomal dominant inheritance. Observed: 1 variant allele, 1 heterozygote.
Comment: This missense variant replaces histidine with arginine at codon 643 of the DSP protein. Computational prediction tools indicate that this variant has a neutral impact on protein structure and function. To our knowledge, functional studies have not been reported for this variant. This variant has not been reported in individuals affected with DSP-related disorders in the literature. This variant has not been identified in the general population by the Genome Aggregation Database (gnomAD). The available evidence is insufficient to determine the role of this variant in disease conclusively. Therefore, this variant is classified as a Variant of Uncertain Significance.

This study involves interpretation of variants in research participants for the purpose of population health screening. Participant phenotype was not available at the time of variant classification. Additional details can be found in publication PMID: 35346344, PMCID: PMC8962531

Color Diagnostics, LLC DBA Color Health
Classification: Uncertain significance for Cardiomyopathy. Last evaluated: 2024-02-12. Review status: criteria provided, single submitter. Criteria: ACMG Guidelines, 2015. Collection method: clinical testing. Allele origin: germline.
Comment: This missense variant replaces histidine with arginine at codon 643 of the DSP protein. Computational prediction tools indicate that this variant has a neutral impact on protein structure and function. To our knowledge, functional studies have not been reported for this variant. This variant has not been reported in individuals affected with DSP-related disorders in the literature. This variant has not been identified in the general population by the Genome Aggregation Database (gnomAD). The available evidence is insufficient to determine the role of this variant in disease conclusively. Therefore, this variant is classified as a Variant of Uncertain Significance.

Ambry Genetics
Classification: Uncertain significance for Cardiovascular phenotype. Last evaluated: 2023-05-15. Review status: criteria provided, single submitter. Criteria: Ambry Variant Classification Scheme 2023. Collection method: clinical testing. Allele origin: germline.
Comment: The p.H643R variant (also known as c.1928A>G), located in coding exon 15 of the DSP gene, results from an A to G substitution at nucleotide position 1928. The histidine at codon 643 is replaced by arginine, an amino acid with highly similar properties. This amino acid position is conserved. In addition, this alteration is predicted to be tolerated by in silico analysis. Since supporting evidence is limited at this time, the clinical significance of this alteration remains unclear.

NM_004415.4(DSP):c.1928A>G (p.His643Arg)

Gene: DSP (desmoplakin; plus strand). Cytogenetic location: 6p24.3.
Variant type: single nucleotide variant.
Coding change: c.1928A>G on transcript NM_004415.4 (MANE Select); coding-DNA position 1928, A replaced by G.
Protein change: p.His643Arg; replaces histidine 643 with arginine.
Molecular consequence: missense variant.
Genome position (GRCh38, 1-based): chr6:7,571,866, A>G. VCF-style: chr6-7571866-A-G. GRCh37 (hg19) VCF-style: chr6-7572099-A-G.
Other names: c.1928A>G, p.His643Arg (NM_001008844.3, NM_001319034.2); short protein forms H643R.
Identifiers: ClinVar variation 922887 (VCV000922887.7), dbSNP rs1759064128, ClinGen allele CA362680069.